The following is an entry in ClinVar:

ClinVar aggregate classification (germline): Uncertain significance. Review status: criteria provided, multiple submitters, no conflicts (2 of 4 stars). 2 submissions from 2 submitters: Uncertain significance (2). Last evaluated 2024-07-03.

Conditions:
Marfan syndrome (MFS). Also called: MARFAN SYNDROME, TYPE I; Marfan syndrome type 1; Marfan's syndrome; Marfan syndrome, classic; FBN1-Related Marfan Syndrome. Identifiers: Orphanet 284963, Orphanet 558, MedGen C0024796, MONDO:0007947, OMIM 154700.
Familial thoracic aortic aneurysm and aortic dissection (TAAD). Also called: Thoracic aortic aneurysms and dissections. Identifiers: Orphanet 91387, MedGen C4707243, MONDO:0019625.

gnomAD v4.1: 2 of 1,613,442 alleles (0.00012%); highest among the groups gnomAD compares: Admixed American, 0.0017%; no homozygotes.

Submissions (2):

Labcorp Genetics (formerly Invitae), Labcorp
Classification: Uncertain significance for Marfan syndrome; Familial thoracic aortic aneurysm and aortic dissection. Last evaluated: 2024-07-03. Review status: criteria provided, single submitter. Criteria: Invitae Variant Classification Sherloc (09022015). Collection method: clinical testing. Allele origin: germline.
Comment: This sequence change replaces asparagine, which is neutral and polar, with serine, which is neutral and polar, at codon 1247 of the FBN1 protein (p.Asn1247Ser). This variant is not present in population databases (gnomAD no frequency). This variant has not been reported in the literature in individuals affected with FBN1-related conditions. Advanced modeling of protein sequence and biophysical properties (such as structural, functional, and spatial information, amino acid conservation, physicochemical variation, residue mobility, and thermodynamic stability) performed at Invitae indicates that this missense variant is not expected to disrupt FBN1 protein function with a negative predictive value of 95%. In summary, the available evidence is currently insufficient to determine the role of this variant in disease. Therefore, it has been classified as a Variant of Uncertain Significance.

All of Us Research Program, National Institutes of Health
Classification: Uncertain significance for Marfan syndrome. Last evaluated: 2023-08-28. Review status: criteria provided, single submitter. Criteria: ACMG Guidelines, 2015. Collection method: clinical testing. Allele origin: germline. Inheritance: Autosomal dominant inheritance. Observed: 1 variant allele, 1 heterozygote.
Comment: This missense variant replaces asparagine with serine at codon 1247 of the FBN1 protein. Computational prediction suggests that this variant may not impact protein structure and function (internally defined REVEL score threshold <= 0.5, PMID: 27666373). To our knowledge, functional studies have not been reported for this variant. This variant has not been reported in individuals affected with FBN1-related disorders in the literature. This variant has not been identified in the general population by the Genome Aggregation Database (gnomAD). The available evidence is insufficient to determine the role of this variant in disease conclusively. Therefore, this variant is classified as a Variant of Uncertain Significance.

This study involves interpretation of variants in research participants for the purpose of population health screening. Participant phenotype was not available at the time of variant classification. Additional details can be found in publication PMID: 35346344, PMCID: PMC8962531

NM_000138.5(FBN1):c.3740A>G (p.Asn1247Ser)

Gene: FBN1 (fibrillin 1; minus strand). Cytogenetic location: 15q21.1.
Variant type: single nucleotide variant.
Coding change: c.3740A>G on transcript NM_000138.5 (MANE Select); coding-DNA position 3740, A replaced by G.
Protein change: p.Asn1247Ser; replaces asparagine 1247 with serine.
Molecular consequence: missense variant.
Genome position (GRCh38, 1-based): chr15:48,483,916, T>C on the plus strand (A>G on the coding strand, the complement: FBN1 is on the minus strand). VCF-style: chr15-48483916-T-C. GRCh37 (hg19) VCF-style: chr15-48776113-T-C.
Other names: c.3740A>G, p.Asn1247Ser (NM_001406716.1); short protein forms N1247S.
Identifiers: ClinVar variation 3073182 (VCV003073182.3), dbSNP rs568625812, ClinGen allele CA392324092.